The following is an entry in ClinVar:

NM_138295.5(PKD1L1):c.6789del (p.Lys2264fs)

Gene: PKD1L1 (polycystin 1 like 1, transient receptor potential channel interacting; minus strand). Cytogenetic location: 7p12.3.
Variant type: Deletion.
Coding change: c.6789del on transcript NM_138295.5 (MANE Select); coding-DNA position 6789, one base deleted (C; older notation c.6789delC).
Protein change: p.Lys2264fs; shifts the reading frame from lysine 2264.
Molecular consequence: frameshift variant.
Genome position (GRCh38, 1-based): chr7:47,827,415, G deleted on the plus strand (C on the coding strand, the reverse complement: PKD1L1 is on the minus strand); the first of 2 consecutive G bases (chr7:47,827,415-47,827,416); deleting either gives the same sequence. VCF-style (leftmost placement, unchanged base first): chr7-47827414-TG-T. GRCh37 (hg19) VCF-style: chr7-47867012-TG-T.
Other names: short protein forms K2264fs.
Identifiers: ClinVar variation 4974981 (VCV004974981.1).

ClinVar aggregate classification (germline): Likely pathogenic (1 of 4 stars; one submission).

Conditions:
Heterotaxy, visceral, 8, autosomal (HTX8). Identifiers: MedGen C4310668, MONDO:0014967, OMIM 617205.

Submission:

Diagnostics Services (NGS), CSIR - Centre For Cellular And Molecular Biology
Classification: Likely pathogenic for Heterotaxy, visceral, 8, autosomal. Last evaluated: 2026-08-31. Review status: criteria provided, single submitter. Criteria: ACMG Guidelines, 2015. Collection method: clinical testing. Allele origin: germline. Affected: no. Observed: 1 variant allele, 1 heterozygote.
Comment: The c.6789del variant is not present in publicly available population databases like EVS, Indian Exome Database, 1000 Genomes, gnomAD, GenomeIndia or in our internal database. This variant has neither been published in the literature for PKD1L1-related conditions nor reported to clinical databases like Human Genome Mutation Databases (HGMD), ClinVar or OMIM, in any affected individuals. In-silico pathogenicity prediction programs like MutationTaster2, CADD, Franklin, Varsome etc., predicted this variant to be likely deleterious. This variant causes a frameshift at the 2264th amino acid position of the wild-type transcript, which creates a premature translational stop signal 4 amino acids downstream in the altered transcript. This may either result in the translation of a truncated protein or cause nonsense-mediated decay of the mRNA.